The following is an entry in ClinVar:

ClinVar aggregate classification (germline): Likely pathogenic (0 of 4 stars; one submission).

Conditions:
PPP1R12A-related disorder. Also called: PPP1R12A-related condition.

Submission:

PreventionGenetics, part of Exact Sciences
Classification: Likely pathogenic for PPP1R12A-related condition. Last evaluated: 2024-08-11. Review status: no assertion criteria provided. Collection method: clinical testing. Allele origin: germline.
Comment: The PPP1R12A c.957-1G>A variant is predicted to disrupt the AG splice acceptor site and interfere with normal splicing. To our knowledge, this variant has not been reported in the literature or in a large population database, indicating this variant is rare. Variants that disrupt the consensus splice acceptor site in PPP1R12A are expected to be pathogenic. This variant is interpreted as likely pathogenic.

NM_002480.3(PPP1R12A):c.957-1G>A

Gene: PPP1R12A (protein phosphatase 1 regulatory subunit 12A; minus strand). Cytogenetic location: 12q21.2.
Variant type: single nucleotide variant.
Coding change: c.957-1G>A on transcript NM_002480.3 (MANE Select); the canonical splice acceptor site of the intron before coding-DNA position 957, G replaced by A.
Molecular consequence: splice acceptor variant.
Genome position (GRCh38, 1-based): chr12:79,820,932, C>T on the plus strand (G>A on the coding strand, the complement: PPP1R12A is on the minus strand). VCF-style: chr12-79820932-C-T. GRCh37 (hg19) VCF-style: chr12-80214712-C-T.
Other names: c.957-1G>A (NM_001244992.1, NM_001244990.2, NM_001143885.2); c.696-1G>A (NM_001143886.2).
Identifiers: ClinVar variation 3345944 (VCV003345944.1).